The following is an entry in ClinVar:

ClinVar aggregate classification (germline): Uncertain significance (1 of 4 stars; one submission).

gnomAD v4.1: 1 of 1,609,878 alleles (0.000062%); highest among the groups gnomAD compares: Non-Finnish European, 0.000085%; no homozygotes.

Submission:

GeneDx
Classification: Uncertain significance. Last evaluated: 2024-09-19. Review status: criteria provided, single submitter. Criteria: GeneDx Variant Classification Process June 2021. Collection method: clinical testing. Allele origin: germline. Affected: yes.
Comment: Not observed at significant frequency in large population cohorts (gnomAD); In silico analysis indicates that this missense variant does not alter protein structure/function; Has not been previously published as pathogenic or benign to our knowledge

NM_032590.5(KDM2B):c.2551T>C (p.Tyr851His)

Gene: KDM2B (lysine demethylase 2B; minus strand). Cytogenetic location: 12q24.31.
Variant type: single nucleotide variant.
Coding change: c.2551T>C on transcript NM_032590.5 (MANE Select); coding-DNA position 2551, T replaced by C.
Protein change: p.Tyr851His; replaces tyrosine 851 with histidine.
Molecular consequence: missense variant. On other transcripts: intron variant (1).
Genome position (GRCh38, 1-based): chr12:121,443,694, A>G on the plus strand (T>C on the coding strand, the complement: KDM2B is on the minus strand). VCF-style: chr12-121443694-A-G. GRCh37 (hg19) VCF-style: chr12-121881497-A-G.
Other names: c.2358+318T>C (NM_001005366.2); short protein forms Y851H.
Identifiers: ClinVar variation 3774227 (VCV003774227.1).